The following is an entry in ClinVar:

NM_022124.6(CDH23):c.766C>A (p.Arg256Ser)

Gene: CDH23 (cadherin related 23; plus strand). Cytogenetic location: 10q22.1.
Variant type: single nucleotide variant.
Coding change: c.766C>A on transcript NM_022124.6 (MANE Select); coding-DNA position 766, C replaced by A.
Protein change: p.Arg256Ser; replaces arginine 256 with serine.
Molecular consequence: missense variant.
Genome position (GRCh38, 1-based): chr10:71,577,926, C>A. VCF-style: chr10-71577926-C-A. GRCh37 (hg19) VCF-style: chr10-73337683-C-A.
Other names: c.766C>A, p.Arg256Ser (NM_001171930.2, NM_001171931.2, NM_001171932.2 and 1 more transcripts); c.766C>A (NM_022124.5); short protein forms R256S.
Identifiers: ClinVar variation 2147081 (VCV002147081.2), dbSNP rs779764465, ClinGen allele CA5543547.

ClinVar aggregate classification (germline): Uncertain significance. Review status: criteria provided, multiple submitters, no conflicts (2 of 4 stars). 2 submissions from 2 submitters: Uncertain significance (2). Last evaluated 2022-07-01.

Conditions:
Inborn genetic diseases. Identifiers: MedGen C0950123, MeSH D030342.

Allele frequency attached by ClinVar (database versions not stated): 1000 Genomes Project 30x 0.00031.
gnomAD v4.1: 9 of 1,599,620 alleles (0.00056%); highest among the groups gnomAD compares: African/African-American, 0.011%; no homozygotes.

Submissions (2):

Labcorp Genetics (formerly Invitae), Labcorp
Classification: Uncertain significance. Last evaluated: 2022-07-01. Review status: criteria provided, single submitter. Criteria: Invitae Variant Classification Sherloc (09022015). Collection method: clinical testing. Allele origin: germline.
Comment: This sequence change replaces arginine, which is basic and polar, with serine, which is neutral and polar, at codon 256 of the CDH23 protein (p.Arg256Ser). The frequency data for this variant in the population databases is considered unreliable, as metrics indicate poor data quality at this position in the gnomAD database. This variant has not been reported in the literature in individuals affected with CDH23-related conditions. Algorithms developed to predict the effect of missense changes on protein structure and function are either unavailable or do not agree on the potential impact of this missense change (SIFT: "Deleterious"; PolyPhen-2: "Not Available"; Align-GVGD: "Class C0"). In summary, the available evidence is currently insufficient to determine the role of this variant in disease. Therefore, it has been classified as a Variant of Uncertain Significance.

Ambry Genetics
Classification: Uncertain significance for Inborn genetic diseases. Last evaluated: 2021-10-22. Review status: criteria provided, single submitter. Criteria: Ambry Variant Classification Scheme 2023. Collection method: clinical testing. Allele origin: germline.